The following is an entry in ClinVar:

NM_005477.3(HCN4):c.3531del (p.Pro1179fs)

Gene: HCN4 (hyperpolarization activated cyclic nucleotide gated potassium channel 4; minus strand). Cytogenetic location: 15q24.1.
Variant type: Deletion.
Coding change: c.3531del on transcript NM_005477.3 (MANE Select); coding-DNA position 3531, one base deleted (G; older notation c.3531delG).
Protein change: p.Pro1179fs; shifts the reading frame from proline 1179.
Molecular consequence: frameshift variant.
Genome position (GRCh38, 1-based): chr15:73,322,562, C deleted on the plus strand (G on the coding strand, the reverse complement: HCN4 is on the minus strand); the first of 6 consecutive C bases (chr15:73,322,562-73,322,567); deleting any one gives the same sequence. VCF-style (leftmost placement, unchanged base first): chr15-73322561-GC-G. GRCh37 (hg19) VCF-style: chr15-73614902-GC-G.
Other names: short protein forms P1179fs.
Identifiers: ClinVar variation 1514095 (VCV001514095.9), dbSNP rs749503920, ClinGen allele CA7648807.
Genomic context (GRCh38, chr15:73,322,561, plus strand): 5'-TGGAGCGCACTGGCTCAGGCCTGGCCCCAGGTTCCCTCTGGGGTCCAGCAGTCAGAGGGG[GC>G]CCCCCAGAAGAGGTGGCTCTTGCCCCAAACAAAGACAGAGGGGGTGGCAAAGAACCTGAG-3'

ClinVar aggregate classification (germline): Uncertain significance. Review status: criteria provided, multiple submitters, no conflicts (2 of 4 stars). 2 submissions from 2 submitters: Uncertain significance (2). Last evaluated 2024-03-28.

Conditions:
Sick sinus syndrome 2, autosomal dominant (SSS2). Also called: SICK SINUS SYNDROME 2; SICK SINUS SYNDROME 2 WITH OR WITHOUT CARDIAC NONCOMPACTION AND/OR ASCENDING AORTA DILATION; SINUS BRADYCARDIA SYNDROME, FAMILIAL, AUTOSOMAL DOMINANT; SINUS NODE DISEASE, FAMILIAL, AUTOSOMAL DOMINANT; ATRIAL FIBRILLATION WITH BRADYARRHYTHMIA. Identifiers: Orphanet 166282, MedGen C1834144, MONDO:0008102, OMIM 163800.
Epilepsy, idiopathic generalized, susceptibility to, 18. Identifiers: MedGen C5561983, MONDO:0030434, OMIM 619521.
Brugada syndrome 8 (BRGDA8). Identifiers: Orphanet 130, MedGen C2751083, MONDO:0013148, OMIM 613123.

Submissions (2):

Labcorp Genetics (formerly Invitae), Labcorp
Classification: Uncertain significance for Brugada syndrome 8. Last evaluated: 2024-03-28. Review status: criteria provided, single submitter. Criteria: Invitae Variant Classification Sherloc (09022015). Collection method: clinical testing. Allele origin: germline.
Comment: This sequence change creates a premature translational stop signal (p.Pro1179Leufs*2) in the HCN4 gene. While this is not anticipated to result in nonsense mediated decay, it is expected to disrupt the last 25 amino acid(s) of the HCN4 protein. The frequency data for this variant in the population databases is considered unreliable, as metrics indicate poor data quality at this position in the gnomAD database. This variant has not been reported in the literature in individuals affected with HCN4-related conditions. ClinVar contains an entry for this variant (Variation ID: 1514095). Experimental studies and prediction algorithms are not available or were not evaluated, and the functional significance of this variant is currently unknown. In summary, the available evidence is currently insufficient to determine the role of this variant in disease. Therefore, it has been classified as a Variant of Uncertain Significance.

Fulgent Genetics
Classification: Uncertain significance for Sick sinus syndrome 2, autosomal dominant; Brugada syndrome 8; Epilepsy, idiopathic generalized, susceptibility to, 18. Last evaluated: 2021-11-12. Review status: criteria provided, single submitter. Criteria: ACMG Guidelines, 2015. Collection method: clinical testing. Allele origin: unknown.